The following is an entry in ClinVar:

ClinVar aggregate classification (germline): Benign/Likely benign. Review status: criteria provided, multiple submitters, no conflicts (2 of 4 stars). 2 submissions from 2 submitters: Benign (1); Likely benign (1). Last evaluated 2024-12-31.

Conditions:
Lynch syndrome 5 (LYNCH5). Also called: Colorectal cancer, hereditary nonpolyposis, type 5; Hereditary non-polyposis colorectal cancer, type 5. Identifiers: Orphanet 144, MedGen C1833477, MONDO:0013710, OMIM 614350. Disease mechanism: loss of function.
Hereditary nonpolyposis colorectal neoplasms. Identifiers: MedGen C0009405, MeSH D003123.

Submissions (2):

Myriad Genetics, Inc.
Classification: Benign for Lynch syndrome 5. Last evaluated: 2024-12-31. Review status: criteria provided, single submitter. Criteria: Myriad Autosomal Dominant, Autosomal Recessive and X-Linked Classification Criteria (2023). Collection method: clinical testing. Allele origin: unknown.
Comment: This variant is considered benign. This variant is a silent/synonymous amino acid change and it is not expected to impact splicing.

Labcorp Genetics (formerly Invitae), Labcorp
Classification: Likely benign for Hereditary nonpolyposis colorectal neoplasms. Last evaluated: 2024-10-16. Review status: criteria provided, single submitter. Criteria: Invitae Variant Classification Sherloc (09022015). Collection method: clinical testing. Allele origin: germline.

NM_000179.3(MSH6):c.2433T>G (p.Leu811=)

Gene: MSH6 (mutS homolog 6; plus strand). Cytogenetic location: 2p16.3.
Variant type: single nucleotide variant.
Coding change: c.2433T>G on transcript NM_000179.3 (MANE Select); coding-DNA position 2433, T replaced by G.
Protein change: p.Leu811=; no amino-acid change (leucine 811 retained).
Molecular consequence: synonymous variant.
Genome position (GRCh38, 1-based): chr2:47,800,416, T>G. VCF-style: chr2-47800416-T-G. GRCh37 (hg19) VCF-style: chr2-48027555-T-G.
Other names: c.2043T>G, p.Leu681= (NM_001281492.2); c.1527T>G, p.Leu509= (NM_001281493.2, NM_001281494.2).
Identifiers: ClinVar variation 1125735 (VCV001125735.10), dbSNP rs2104406624, ClinGen allele CA426121871.
Genomic context (GRCh38, chr2:47,800,416, plus strand): 5'-TCTAGATGCCATAGAAGACCTCATGGTTGTGCCTGACAAAATCTCCGAAGTTGTAGAGCT[T>G]CTAAAGAAGCTTCCAGATCTTGAGAGGCTACTCAGTAAAATTCATAATGTTGGGTCTCCC-3'
Protein context (NP_000170.1, residues 801-821): VPDKISEVVE[Leu811=]LKKLPDLERL